The following is an entry in ClinVar:

NM_153460.4(IL17RC):c.2024G>A (p.Gly675Glu)

Genes: IL17RC (interleukin 17 receptor C; plus strand), LOC129936144 (ATAC-STARR-seq lymphoblastoid silent region 14051; plus strand). Cytogenetic location: 3p25.3.
Variant type: single nucleotide variant.
Coding change: c.2024G>A on transcript NM_153460.4 (MANE Select); coding-DNA position 2024, G replaced by A.
Protein change: p.Gly675Glu; replaces glycine 675 with glutamic acid.
Molecular consequence: missense variant. On other transcripts: non-coding transcript variant (1).
Genome position (GRCh38, 1-based): chr3:9,933,454, G>A. VCF-style: chr3-9933454-G-A. GRCh37 (hg19) VCF-style: chr3-9975138-G-A.
Other names: c.1985G>A, p.Gly662Glu (NM_001203263.2); c.1934G>A, p.Gly645Glu (NM_001203264.2); c.1928G>A, p.Gly643Glu (NM_001203265.2); c.1946G>A, p.Gly649Glu (NM_001367278.1); c.1865G>A, p.Gly622Glu (NM_001367279.1); c.1940G>A, p.Gly647Glu (NM_001367280.1); c.1889G>A, p.Gly630Glu (NM_001410711.1); c.1979G>A, p.Gly660Glu (NM_032732.6); and 1 more; short protein forms G630E, G660E, G645E, G675E, G746E, G649E, G622E, G643E.
Identifiers: ClinVar variation 3009496 (VCV003009496.3), dbSNP rs2125321761, ClinGen allele CA351709294.

ClinVar aggregate classification (germline): Uncertain significance (1 of 4 stars; one submission).

Conditions:
Candidiasis, familial, 9 (CANDF9). Identifiers: Orphanet 1334, MedGen C4225324, MONDO:0014642, OMIM 616445.

Submission:

Labcorp Genetics (formerly Invitae), Labcorp
Classification: Uncertain significance for Candidiasis, familial, 9. Last evaluated: 2023-01-22. Review status: criteria provided, single submitter. Criteria: Invitae Variant Classification Sherloc (09022015). Collection method: clinical testing. Allele origin: germline.
Comment: In summary, the available evidence is currently insufficient to determine the role of this variant in disease. Therefore, it has been classified as a Variant of Uncertain Significance. Algorithms developed to predict the effect of missense changes on protein structure and function output the following: SIFT: "Tolerated"; PolyPhen-2: "Benign"; Align-GVGD: "Class C0". The glutamic acid amino acid residue is found in multiple mammalian species, which suggests that this missense change does not adversely affect protein function. This variant has not been reported in the literature in individuals affected with IL17RC-related conditions. This variant is not present in population databases (gnomAD no frequency). This sequence change replaces glycine, which is neutral and non-polar, with glutamic acid, which is acidic and polar, at codon 746 of the IL17RC protein (p.Gly746Glu).